The following is an entry in ClinVar:

NM_000260.4(MYO7A):c.6221C>A (p.Pro2074His)

Gene: MYO7A (myosin VIIA; plus strand). Cytogenetic location: 11q13.5.
Variant type: single nucleotide variant.
Coding change: c.6221C>A on transcript NM_000260.4 (MANE Select); coding-DNA position 6221, C replaced by A.
Protein change: p.Pro2074His; replaces proline 2074 with histidine.
Molecular consequence: missense variant.
Genome position (GRCh38, 1-based): chr11:77,211,321, C>A. VCF-style: chr11-77211321-C-A. GRCh37 (hg19) VCF-style: chr11-76922366-C-A.
Other names: c.6107C>A, p.Pro2036His (NM_001127180.2); c.6074C>A, p.Pro2025His (NM_001369365.1); short protein forms P2025H, P2036H, P2074H.
Identifiers: ClinVar variation 2442524 (VCV002442524.1), dbSNP rs369179068, ClinGen allele CA381936289.
Genomic context (GRCh38, chr11:77,211,321, plus strand): 5'-CCAGCATCCCCAAGCTGCTGCGGGAGCTGGTGCCCCAGGACCTTATCCGGCAGGTCTCAC[C>A]TGATGACTGGAAGCGGGTGAGCATGGGGTGGGCATCGGGAATGGTGGGGCCCTGAATGGG-3'
Protein context (NP_000251.3, residues 2064-2084): VPQDLIRQVS[Pro2074His]DDWKRSIVAY

ClinVar aggregate classification (germline): Uncertain significance (1 of 4 stars; one submission).

Allele frequency attached by ClinVar (database versions not stated): gnomAD exomes below 0.00001.
gnomAD v4.1: 1 of 1,582,452 alleles (0.000063%); highest among the groups gnomAD compares: Non-Finnish European, 0.000086%; no homozygotes.

Submission:

GeneDx
Classification: Uncertain significance. Last evaluated: 2022-08-30. Review status: criteria provided, single submitter. Criteria: GeneDx Variant Classification Process June 2021. Collection method: clinical testing. Allele origin: germline. Affected: yes.
Comment: Not observed at significant frequency in large population cohorts (gnomAD); In silico analysis supports that this missense variant has a deleterious effect on protein structure/function; Has not been previously published as pathogenic or benign to our knowledge